The following is an entry in ClinVar:

ClinVar aggregate classification (germline): Uncertain significance. Review status: criteria provided, multiple submitters, no conflicts (2 of 4 stars). 3 submissions from 3 submitters: Uncertain significance (3). Last evaluated 2026-05-12.

Conditions:
Hereditary cancer-predisposing syndrome. Also called: Tumor predisposition; Hereditary Cancer Syndrome; Neoplastic Syndromes, Hereditary; Hereditary neoplastic syndrome. Identifiers: Orphanet 140162, MedGen C0027672, MeSH D009386, MONDO:0015356.
Multiple endocrine neoplasia, type 1 (MEN1). Also called: MEA I; MEN I; WERMER SYNDROME; Endocrine adenomatosis multiple; MEN 1. Identifiers: Orphanet 652, MedGen C0025267, MeSH D018761, MONDO:0007540, OMIM 131100.

Allele frequency attached by ClinVar (database versions not stated): gnomAD exomes below 0.00001; TOPMed below 0.00001.

Submissions (3):

Ambry Genetics
Classification: Uncertain significance for Hereditary cancer-predisposing syndrome. Last evaluated: 2026-05-12. Review status: criteria provided, single submitter. Criteria: Ambry Variant Classification Scheme 2023. Collection method: clinical testing. Allele origin: germline.
Comment: The p.A68V variant (also known as c.203C>T), located in coding exon 1 of the MEN1 gene, results from a C to T substitution at nucleotide position 203. The alanine at codon 68 is replaced by valine, an amino acid with similar properties. This amino acid position is highly conserved in available vertebrate species. In addition, the in silico prediction for this alteration is inconclusive. Based on the available evidence, the clinical significance of this variant remains unclear.

Labcorp Genetics (formerly Invitae), Labcorp
Classification: Uncertain significance for Multiple endocrine neoplasia, type 1. Last evaluated: 2025-12-10. Review status: criteria provided, single submitter. Criteria: Invitae Variant Classification Sherloc (09022015). Collection method: clinical testing. Allele origin: germline.
Comment: This sequence change replaces alanine, which is neutral and non-polar, with valine, which is neutral and non-polar, at codon 68 of the MEN1 protein (p.Ala68Val). This variant is not present in population databases (gnomAD no frequency). This missense change has been observed in individual(s) with breast cancer (PMID: 35264596, 35534704). ClinVar contains an entry for this variant (Variation ID: 575022). Invitae Evidence Modeling of protein sequence and biophysical properties (such as structural, functional, and spatial information, amino acid conservation, physicochemical variation, residue mobility, and thermodynamic stability) indicates that this missense variant is expected to disrupt MEN1 protein function with a positive predictive value of 80%. In summary, the available evidence is currently insufficient to determine the role of this variant in disease. Therefore, it has been classified as a Variant of Uncertain Significance.

Mendelics
Classification: Uncertain significance for Multiple endocrine neoplasia, type 1. Last evaluated: 2018-07-02. Review status: criteria provided, single submitter. Criteria: Mendelics Assertion Criteria 2017. Collection method: clinical testing. Allele origin: unknown.

Literature cited by the submitters: PubMed 35264596 (cited by Labcorp Genetics (formerly Invitae), Labcorp); PubMed 35534704 (cited by Labcorp Genetics (formerly Invitae), Labcorp).

NM_001370259.2(MEN1):c.203C>T (p.Ala68Val)

Gene: MEN1 (menin 1; minus strand). Cytogenetic location: 11q13.1.
Variant type: single nucleotide variant.
Coding change: c.203C>T on transcript NM_001370259.2 (MANE Select); coding-DNA position 203, C replaced by T.
Protein change: p.Ala68Val; replaces alanine 68 with valine.
Molecular consequence: missense variant.
Genome position (GRCh38, 1-based): chr11:64,809,907, G>A on the plus strand (C>T on the coding strand, the complement: MEN1 is on the minus strand). VCF-style: chr11-64809907-G-A. GRCh37 (hg19) VCF-style: chr11-64577379-G-A.
Other names: c.203C>T, p.Ala68Val (NM_000244.4, NM_001370251.2, NM_001370260.2 and 9 more transcripts); short protein forms A68V.
Identifiers: ClinVar variation 575022 (VCV000575022.10), dbSNP rs1319371332, ClinGen allele CA381187652.